The following is an entry in ClinVar:

ClinVar aggregate classification (germline): Likely benign (0 of 4 stars; one submission).

Conditions:
PCNT-related disorder. Also called: PCNT-related condition.

Allele frequency attached by ClinVar (database versions not stated): gnomAD exomes below 0.00001; TOPMed 0.00001.
gnomAD v4.1: 1 of 1,612,320 alleles (0.000062%); highest among the groups gnomAD compares: African/African-American, 0.0013%; no homozygotes.

Submission:

PreventionGenetics, part of Exact Sciences
Classification: Likely benign for PCNT-related condition. Last evaluated: 2022-05-25. Review status: no assertion criteria provided. Collection method: clinical testing. Allele origin: germline.
Comment: This variant is classified as likely benign based on ACMG/AMP sequence variant interpretation guidelines (Richards et al. 2015 PMID: 25741868, with internal and published modifications).

NM_006031.6(PCNT):c.7503G>A (p.Leu2501=)

Gene: PCNT (pericentrin; plus strand). Cytogenetic location: 21q22.3.
Variant type: single nucleotide variant.
Coding change: c.7503G>A on transcript NM_006031.6 (MANE Select); coding-DNA position 7503, G replaced by A.
Protein change: p.Leu2501=; no amino-acid change (leucine 2501 retained).
Molecular consequence: synonymous variant.
Genome position (GRCh38, 1-based): chr21:46,428,403, G>A. VCF-style: chr21-46428403-G-A. GRCh37 (hg19) VCF-style: chr21-47848317-G-A.
Other names: c.7149G>A, p.Leu2383= (NM_001315529.2).
Identifiers: ClinVar variation 3054867 (VCV003054867.2), dbSNP rs1326808381, ClinGen allele CA512743353.